The following is an entry in ClinVar:

ClinVar aggregate classification (germline): Pathogenic/Likely pathogenic. Review status: criteria provided, multiple submitters, no conflicts (2 of 4 stars). 9 submissions from 9 submitters: Pathogenic (5); Likely pathogenic (2). 2 of the submissions do not count toward it. Last evaluated 2026-01-05.

Conditions:
MVK-related disorder. Also called: MVK-related disorders; MVK-related condition. Identifiers: MedGen CN239294.
Hyperimmunoglobulin D with periodic fever (HIDS). Also called: HYPERIMMUNOGLOBULINEMIA D AND PERIODIC FEVER SYNDROME; Hyperimmunoglobulinemia D with periodic fever; Hyperimmunoglobulinemia D. Identifiers: Orphanet 343, MedGen C0398691, MONDO:0009849, OMIM 260920.
Mevalonic aciduria (MEVA). Identifiers: Orphanet 29, MedGen C1959626, MONDO:0012481, OMIM 610377.
Porokeratosis 3, disseminated superficial actinic type (POROK3). Also called: POROKERATOSIS, DISSEMINATED SUPERFICIAL ACTINIC, 1; POROKERATOSIS 3, MULTIPLE TYPES; POROKERATOSIS 3, MIBELLI TYPE. Identifiers: MedGen C1867981, MONDO:0008293, OMIM 175900.

Allele frequency attached by ClinVar (database versions not stated): gnomAD exomes 0.00001 and 0.00003; ExAC 0.00004; gnomAD 0.00007; TOPMed 0.00012; ESP Exome Variant Server 0.00031.
gnomAD v4.1: 32 of 1,614,102 alleles (0.002%); highest among the groups gnomAD compares: African/African-American, 0.023%; no homozygotes.

Submissions (9):

Labcorp Genetics (formerly Invitae), Labcorp
Classification: Pathogenic for Mevalonic aciduria; Hyperimmunoglobulin D with periodic fever; Porokeratosis 3, disseminated superficial actinic type. Last evaluated: 2026-01-05. Review status: criteria provided, single submitter. Criteria: Invitae Variant Classification Sherloc (09022015). Collection method: clinical testing. Allele origin: germline.
Comment: This sequence change replaces tyrosine, which is neutral and polar, with histidine, which is basic and polar, at codon 116 of the MVK protein (p.Tyr116His). This variant is present in population databases (rs104895382, gnomAD 0.05%). This missense change has been observed in individual(s) with autosomal recessive melvalonic aciduria or hyper IgD (HIDS) syndrome (PMID: 20194276, 21548022, 23979089, 29047407; internal data). In at least one individual the data is consistent with being in trans (on the opposite chromosome) from a pathogenic variant. ClinVar contains an entry for this variant (Variation ID: 97581). Invitae Evidence Modeling of protein sequence and biophysical properties (such as structural, functional, and spatial information, amino acid conservation, physicochemical variation, residue mobility, and thermodynamic stability) indicates that this missense variant is expected to disrupt MVK protein function with a positive predictive value of 95%. For these reasons, this variant has been classified as Pathogenic.

GeneDx
Classification: Pathogenic. Last evaluated: 2025-09-05. Review status: criteria provided, single submitter. Criteria: GeneDx Variant Classification Process June 2021. Collection method: clinical testing. Allele origin: germline. Affected: yes.
Comment: Not observed at significant frequency in large population cohorts (gnomAD); In silico analysis supports that this missense variant has a deleterious effect on protein structure/function; This variant is associated with the following publications: (PMID: 23979089, 21548022, 20194276, 29047407, 25677409, 34525209, 38552305, 31430439, 24781643)

Blueprint Genetics
Classification: Pathogenic for MVK-related disorders. Last evaluated: 2024-11-23. Review status: criteria provided, single submitter. Criteria: ACMG Guidelines, 2015. Collection method: clinical testing. Allele origin: germline. Affected: yes. Observed: 5 variant alleles.

Greenwood Genetic Center Diagnostic Laboratories, Greenwood Genetic Center
Classification: Likely pathogenic for MVK-related disorder. Last evaluated: 2024-11-19. Review status: criteria provided, single submitter. Criteria: ACMG Guidelines, 2015. Collection method: clinical testing. Allele origin: germline. Affected: yes.
Comment: PM2, PM3_Strong, PP3

Fulgent Genetics
Classification: Pathogenic for Porokeratosis 3, disseminated superficial actinic type; Hyperimmunoglobulin D with periodic fever; Mevalonic aciduria. Last evaluated: 2024-06-17. Review status: criteria provided, single submitter. Criteria: ACMG Guidelines, 2015. Collection method: clinical testing. Allele origin: germline.

Baylor Genetics
Classification: Pathogenic for Hyperimmunoglobulin D with periodic fever. Last evaluated: 2020-07-08. Review status: criteria provided, single submitter. Criteria: ACMG Guidelines, 2015. Collection method: clinical testing. Allele origin: unknown. Affected: yes.
Comment: This variant was determined to be pathogenic according to ACMG Guidelines, 2015 [PMID:25741868].

Laboratorio de Genetica e Diagnostico Molecular, Hospital Israelita Albert Einstein
Classification: Likely pathogenic. Last evaluated: 2019-09-26. Review status: criteria provided, single submitter. Criteria: ACMG Guidelines, 2015. Collection method: clinical testing. Allele origin: germline. Affected: yes.
Comment: ACMG classification criteria: PS4, PM2, PM3, PP3

OMIM
Classification: Pathogenic for HYPER-IgD SYNDROME. Last evaluated: 2013-09-01. Review status: no assertion criteria provided. Collection method: literature only. Allele origin: germline. Not counted in ClinVar's aggregate classification.

Unité médicale des maladies autoinflammatoires, CHRU Montpellier
No classification provided. Condition: Hyperimmunoglobulin D with periodic fever. Review status: no classification provided. Collection method: not provided. Allele origin: unknown. Not counted in ClinVar's aggregate classification.
Comment: also involved in OMIM 25117

Literature cited by the submitters: PubMed 20194276 (cited by Labcorp Genetics (formerly Invitae), Labcorp); PubMed 21548022 (cited by Labcorp Genetics (formerly Invitae), Labcorp); PubMed 23979089 (cited by Labcorp Genetics (formerly Invitae), Labcorp and OMIM); PubMed 29047407 (cited by Labcorp Genetics (formerly Invitae), Labcorp).

NM_000431.4(MVK):c.346T>C (p.Tyr116His)

Gene: MVK (mevalonate kinase; plus strand). Cytogenetic location: 12q24.11.
Variant type: single nucleotide variant.
Coding change: c.346T>C on transcript NM_000431.4 (MANE Select); coding-DNA position 346, T replaced by C.
Protein change: p.Tyr116His; replaces tyrosine 116 with histidine.
Molecular consequence: missense variant.
Genome position (GRCh38, 1-based): chr12:109,579,921, T>C. VCF-style: chr12-109579921-T-C. GRCh37 (hg19) VCF-style: chr12-110017726-T-C.
Other names: c.346T>C (LRG_156t1); c.346T>C, p.Tyr116His (NM_001114185.3, NM_001301182.2); short protein forms Y116H.
Identifiers: ClinVar variation 97581 (VCV000097581.18), dbSNP rs104895382, ClinGen allele CA149812.